The following is an entry in ClinVar:

NM_001277115.2(DNAH11):c.3520G>A (p.Val1174Met)

Gene: DNAH11 (dynein axonemal heavy chain 11; plus strand). Cytogenetic location: 7p15.3.
Variant type: single nucleotide variant.
Coding change: c.3520G>A on transcript NM_001277115.2 (MANE Select); coding-DNA position 3520, G replaced by A.
Protein change: p.Val1174Met; replaces valine 1174 with methionine.
Molecular consequence: missense variant.
Genome position (GRCh38, 1-based): chr7:21,601,490, G>A. VCF-style: chr7-21601490-G-A. GRCh37 (hg19) VCF-style: chr7-21641108-G-A.
Other names: short protein forms V1174M.
Identifiers: ClinVar variation 4738558 (VCV004738558.1).
Genomic context (GRCh38, chr7:21,601,490, plus strand): 5'-GATTCCGGACTTCAGAGAGAATTAAATGAAGGTGATCATGATGGTTTAGTTGACATCATG[G>A]TGCATCTTCTGGCTGTAAGAAGCCGACAGAGAGCTACTGATGAACTCTTTGAACCTCTAA-3'
Protein context (NP_001264044.1, residues 1164-1184): GDHDGLVDIM[Val1174Met]HLLAVRSRQR

ClinVar aggregate classification (germline): Uncertain significance (1 of 4 stars; one submission).

Conditions:
Primary ciliary dyskinesia. Also called: Ciliary dyskinesia. Identifiers: Orphanet 244, MedGen C0008780, MONDO:0016575, HP:0012265.

Submission:

Labcorp Genetics (formerly Invitae), Labcorp
Classification: Uncertain significance for Primary ciliary dyskinesia. Last evaluated: 2025-08-13. Review status: criteria provided, single submitter. Criteria: Invitae Variant Classification Sherloc (09022015). Collection method: clinical testing. Allele origin: germline.
Comment: This sequence change replaces valine, which is neutral and non-polar, with methionine, which is neutral and non-polar, at codon 1174 of the DNAH11 protein (p.Val1174Met). This variant is not present in population databases (gnomAD no frequency). This variant has not been reported in the literature in individuals affected with DNAH11-related conditions. Invitae Evidence Modeling of protein sequence and biophysical properties (such as structural, functional, and spatial information, amino acid conservation, physicochemical variation, residue mobility, and thermodynamic stability) indicates that this missense variant is not expected to disrupt DNAH11 protein function with a negative predictive value of 95%. In summary, the available evidence is currently insufficient to determine the role of this variant in disease. Therefore, it has been classified as a Variant of Uncertain Significance.